The following is an entry in ClinVar:

ClinVar aggregate classification (germline): Uncertain significance. Review status: criteria provided, multiple submitters, no conflicts (2 of 4 stars). 2 submissions from 2 submitters: Uncertain significance (2). Last evaluated 2025-09-03.

Conditions:
Hereditary cancer-predisposing syndrome. Also called: Tumor predisposition; Neoplastic Syndromes, Hereditary; Hereditary neoplastic syndrome; Hereditary Cancer Syndrome. Identifiers: Orphanet 140162, MedGen C0027672, MeSH D009386, MONDO:0015356.
EGFR-related lung cancer (EGFR). Identifiers: MedGen CN130014.

Allele frequency attached by ClinVar (database versions not stated): gnomAD exomes below 0.00001 and 0.00001; gnomAD 0.00001; TOPMed 0.00002.
gnomAD v4.1: 5 of 1,613,192 alleles (0.00031%); highest among the groups gnomAD compares: African/African-American, 0.0067%; no homozygotes.

Submissions (2):

Labcorp Genetics (formerly Invitae), Labcorp
Classification: Uncertain significance for EGFR-related lung cancer. Last evaluated: 2025-09-03. Review status: criteria provided, single submitter. Criteria: Invitae Variant Classification Sherloc (09022015). Collection method: clinical testing. Allele origin: germline.
Comment: This sequence change replaces aspartic acid, which is acidic and polar, with glycine, which is neutral and non-polar, at codon 1072 of the EGFR protein (p.Asp1072Gly). This variant is present in population databases (no rsID available, gnomAD 0.007%). This variant has not been reported in the literature in individuals affected with EGFR-related conditions. ClinVar contains an entry for this variant (Variation ID: 1019294). An algorithm developed to predict the effect of missense changes on protein structure and function (PolyPhen-2) suggests that this variant is likely to be disruptive. In summary, the available evidence is currently insufficient to determine the role of this variant in disease. Therefore, it has been classified as a Variant of Uncertain Significance.

Ambry Genetics
Classification: Uncertain significance for Hereditary cancer-predisposing syndrome. Last evaluated: 2025-01-14. Review status: criteria provided, single submitter. Criteria: Ambry Variant Classification Scheme 2023. Collection method: clinical testing. Allele origin: germline.
Comment: The p.D1072G variant (also known as c.3215A>G), located in coding exon 27 of the EGFR gene, results from an A to G substitution at nucleotide position 3215. The aspartic acid at codon 1072 is replaced by glycine, an amino acid with similar properties. This amino acid position is conserved. In addition, the in silico prediction for this alteration is inconclusive. Based on the available evidence, the clinical significance of this variant remains unclear.

NM_005228.5(EGFR):c.3215A>G (p.Asp1072Gly)

Gene: EGFR (epidermal growth factor receptor; plus strand). Cytogenetic location: 7p11.2.
Variant type: single nucleotide variant.
Coding change: c.3215A>G on transcript NM_005228.5 (MANE Select); coding-DNA position 3215, A replaced by G.
Protein change: p.Asp1072Gly; replaces aspartic acid 1072 with glycine.
Molecular consequence: missense variant.
Genome position (GRCh38, 1-based): chr7:55,202,569, A>G. VCF-style: chr7-55202569-A-G. GRCh37 (hg19) VCF-style: chr7-55270262-A-G.
Other names: c.3080A>G, p.Asp1027Gly (NM_001346897.2, NM_001346899.2); c.3215A>G, p.Asp1072Gly (NM_001346898.2); c.3056A>G, p.Asp1019Gly (NM_001346900.2); c.2414A>G, p.Asp805Gly (NM_001346941.2); c.3215A>G (NM_005228.3); short protein forms D1019G, D1027G, D1072G, D805G.
Identifiers: ClinVar variation 1019294 (VCV001019294.9), dbSNP rs887824842, ClinGen allele CA158938560.